The following is an entry in ClinVar:

ClinVar aggregate classification (germline): Uncertain significance (1 of 4 stars; one submission).

Allele frequency attached by ClinVar (database versions not stated): gnomAD exomes 0.00001; ExAC 0.00002.

Submission:

CeGaT Center for Human Genetics Tuebingen
Classification: Uncertain significance. Last evaluated: 2023-04-01. Review status: criteria provided, single submitter. Criteria: CeGaT Center For Human Genetics Tuebingen Variant Classification Criteria Version 2. Collection method: clinical testing. Allele origin: germline. Affected: yes. Observed: 1 variant allele.
Comment: PABPN1: PM2, BP4

NM_004643.4(PABPN1):c.534+7A>G

Genes: BCL2L2-PABPN1 (BCL2L2-PABPN1 readthrough; plus strand), PABPN1 (poly(A) binding protein nuclear 1; plus strand). Cytogenetic location: 14q11.2.
Variant type: single nucleotide variant.
Coding change: c.534+7A>G on transcript NM_004643.4 (MANE Select); 7 bases into the intron after coding-DNA position 534, A replaced by G.
Molecular consequence: intron variant.
Genome position (GRCh38, 1-based): chr14:23,323,073, A>G. VCF-style: chr14-23323073-A-G. GRCh37 (hg19) VCF-style: chr14-23792282-A-G.
Other names: c.711+7A>G (NM_001387343.1, NM_001387342.1, NM_001387344.1 and 1 more transcripts); c.615+7A>G (NM_001387345.1, NM_001387346.1, NM_001199864.3); c.732+7A>G (NM_001387340.1); c.534+7A>G (NM_001360551.3); c.150+7A>G (NM_001360552.2).
Identifiers: ClinVar variation 2570874 (VCV002570874.27), dbSNP rs765034219, ClinGen allele CA7112604.